The following is an entry in ClinVar:

NM_024120.5(NDUFAF5):c.-2A>G

Genes: NDUFAF5 (NADH:ubiquinone oxidoreductase complex assembly factor 5; plus strand), LOC130065433 (ATAC-STARR-seq lymphoblastoid active region 17552; plus strand). Cytogenetic location: 20p12.1.
Variant type: single nucleotide variant.
Coding change: c.-2A>G on transcript NM_024120.5 (MANE Select); 2 bases upstream of the start codon, A replaced by G.
Molecular consequence: 5 prime UTR variant. On other transcripts: non-coding transcript variant (7).
Genome position (GRCh38, 1-based): chr20:13,785,067, A>G. VCF-style: chr20-13785067-A-G. GRCh37 (hg19) VCF-style: chr20-13765713-A-G.
Other names: c.-2A>G (NM_001039375.3, NM_001352408.2); c.-369A>G (NM_001352403.2); c.-583A>G (NM_001352406.2); c.-697A>G (NM_001352407.2).
Identifiers: ClinVar variation 4087818 (VCV004087818.2).

ClinVar aggregate classification (germline): Uncertain significance (1 of 4 stars; one submission).

gnomAD v4.1: 18 of 1,610,300 alleles (0.0011%); highest among the groups gnomAD compares: East Asian, 0.0067%; no homozygotes.

Submission:

GeneDx
Classification: Uncertain significance. Last evaluated: 2025-12-03. Review status: criteria provided, single submitter. Criteria: GeneDx Variant Classification Process June 2021. Collection method: clinical testing. Allele origin: germline.
Comment: Nucleotide is not conserved across species and the substitution has no predicted effect on splicing; Has not been previously published as pathogenic or benign to our knowledge; Alters the Kozak sequence, which plays a major role in the initiation of translation